The following is an entry in ClinVar:

NM_003114.5(SPAG1):c.1591T>C (p.Tyr531His)

Gene: SPAG1 (sperm associated antigen 1; plus strand). Cytogenetic location: 8q22.2.
Variant type: single nucleotide variant.
Coding change: c.1591T>C on transcript NM_003114.5 (MANE Select); coding-DNA position 1591, T replaced by C.
Protein change: p.Tyr531His; replaces tyrosine 531 with histidine.
Molecular consequence: missense variant.
Genome position (GRCh38, 1-based): chr8:100,220,334, T>C. VCF-style: chr8-100220334-T-C. GRCh37 (hg19) VCF-style: chr8-101232562-T-C.
Other names: c.1591T>C, p.Tyr531His (NM_001374321.1, NM_172218.3); short protein forms Y531H.
Identifiers: ClinVar variation 1038061 (VCV001038061.9), dbSNP rs148641104, ClinGen allele CA4827544.

ClinVar aggregate classification (germline): Uncertain significance (1 of 4 stars; one submission).

Conditions:
Primary ciliary dyskinesia 28. Also called: CILIARY DYSKINESIA, PRIMARY, 28, WITH OR WITHOUT SITUS INVERSUS. Identifiers: Orphanet 244, MedGen C3809706, MONDO:0014216, OMIM 615505.

Allele frequency attached by ClinVar (database versions not stated): ExAC 0.00002; gnomAD 0.00004; TOPMed 0.00005; ESP Exome Variant Server 0.00008; gnomAD exomes 0.00001; 1000 Genomes Project 30x 0.00016; 1000 Genomes Project 0.00020.
gnomAD v4.1: 15 of 1,614,134 alleles (0.00093%); highest among the groups gnomAD compares: African/African-American, 0.016%; no homozygotes.

Submission:

Labcorp Genetics (formerly Invitae), Labcorp
Classification: Uncertain significance for Primary ciliary dyskinesia 28. Last evaluated: 2022-02-04. Review status: criteria provided, single submitter. Criteria: Invitae Variant Classification Sherloc (09022015). Collection method: clinical testing. Allele origin: germline.
Comment: ClinVar contains an entry for this variant (Variation ID: 1038061). In summary, the available evidence is currently insufficient to determine the role of this variant in disease. Therefore, it has been classified as a Variant of Uncertain Significance. Algorithms developed to predict the effect of missense changes on protein structure and function (SIFT, PolyPhen-2, Align-GVGD) all suggest that this variant is likely to be tolerated. This variant has not been reported in the literature in individuals affected with SPAG1-related conditions. This variant is present in population databases (rs148641104, gnomAD 0.02%). This sequence change replaces tyrosine, which is neutral and polar, with histidine, which is basic and polar, at codon 531 of the SPAG1 protein (p.Tyr531His).